The following is an entry in ClinVar:

ClinVar aggregate classification (germline): Uncertain significance (1 of 4 stars; one submission).

gnomAD v4.1: 1 of 1,609,252 alleles (0.000062%); highest among the groups gnomAD compares: Non-Finnish European, 0.000085%; no homozygotes.

Submission:

Labcorp Genetics (formerly Invitae), Labcorp
Classification: Uncertain significance. Last evaluated: 2022-04-06. Review status: criteria provided, single submitter. Criteria: Invitae Variant Classification Sherloc (09022015). Collection method: clinical testing. Allele origin: germline.
Comment: This variant is not present in population databases (gnomAD no frequency). This variant has not been reported in the literature in individuals affected with TBCK-related conditions. Algorithms developed to predict the effect of missense changes on protein structure and function are either unavailable or do not agree on the potential impact of this missense change (SIFT: "Deleterious"; PolyPhen-2: "Possibly Damaging"; Align-GVGD: "Class C0"). Algorithms developed to predict the effect of sequence changes on RNA splicing suggest that this variant may disrupt the consensus splice site. In summary, the available evidence is currently insufficient to determine the role of this variant in disease. Therefore, it has been classified as a Variant of Uncertain Significance. This sequence change replaces serine, which is neutral and polar, with asparagine, which is neutral and polar, at codon 373 of the TBCK protein (p.Ser373Asn).

NM_001163435.3(TBCK):c.1118G>A (p.Ser373Asn)

Gene: TBCK (TBC1 domain containing kinase; minus strand). Cytogenetic location: 4q24.
Variant type: single nucleotide variant.
Coding change: c.1118G>A on transcript NM_001163435.3 (MANE Select); coding-DNA position 1118, G replaced by A.
Protein change: p.Ser373Asn; replaces serine 373 with asparagine.
Molecular consequence: missense variant.
Genome position (GRCh38, 1-based): chr4:106,242,522, C>T on the plus strand (G>A on the coding strand, the complement: TBCK is on the minus strand). VCF-style: chr4-106242522-C-T. GRCh37 (hg19) VCF-style: chr4-107163679-C-T.
Other names: c.1118G>A, p.Ser373Asn (NM_001163436.4); c.1001G>A, p.Ser334Asn (NM_001163437.3); c.602G>A, p.Ser201Asn (NM_001290768.2); c.929G>A, p.Ser310Asn (NM_033115.5); short protein forms S334N, S373N, S201N, S310N.
Identifiers: ClinVar variation 1952146 (VCV001952146.5), dbSNP rs1166439268, ClinGen allele CA357823641.
Genomic context (GRCh38, chr4:106,242,522, plus strand): 5'-TTTCTTACATTTCTTAGCTGGCATAACGACAATGTCACAGTGGTATCATCTAAAAGCGAG[C>T]TTCTATCTCGACCTTGTCCAAAGCTTTCACCATCCTCAAAGAGAAAACTGAAAAGAAATT-3'
Protein context (NP_001156907.2, residues 363-383): GESFGQGRDR[Ser373Asn]SLLDDTTVTL